The following is an entry in ClinVar:

NM_020832.3(ZNF687):c.1406C>T (p.Ser469Leu)

Gene: ZNF687 (zinc finger protein 687; plus strand). Cytogenetic location: 1q21.3.
Variant type: single nucleotide variant.
Coding change: c.1406C>T on transcript NM_020832.3 (MANE Select); coding-DNA position 1406, C replaced by T.
Protein change: p.Ser469Leu; replaces serine 469 with leucine.
Molecular consequence: missense variant.
Genome position (GRCh38, 1-based): chr1:151,287,697, C>T. VCF-style: chr1-151287697-C-T. GRCh37 (hg19) VCF-style: chr1-151260173-C-T.
Other names: c.1406C>T, p.Ser469Leu (NM_001304763.2, NM_001304764.2); c.1406C>T (NM_020832.1); short protein forms S469L.
Identifiers: ClinVar variation 1925045 (VCV001925045.6), dbSNP rs925180703, ClinGen allele CA29518566.

ClinVar aggregate classification (germline): Uncertain significance. Review status: criteria provided, multiple submitters, no conflicts (2 of 4 stars). 2 submissions from 2 submitters: Uncertain significance (2). Last evaluated 2025-07-01.

Allele frequency attached by ClinVar (database versions not stated): TOPMed below 0.00001; gnomAD exomes 0.00001.
gnomAD v4.1: 11 of 1,613,404 alleles (0.00068%); highest among the groups gnomAD compares: Admixed American, 0.0017%; no homozygotes.

Submissions (2):

Ambry Genetics
Classification: Uncertain significance. Last evaluated: 2025-07-01. Review status: criteria provided, single submitter. Criteria: Ambry Variant Classification Scheme 2023. Collection method: clinical testing. Allele origin: germline.

Labcorp Genetics (formerly Invitae), Labcorp
Classification: Uncertain significance. Last evaluated: 2022-06-19. Review status: criteria provided, single submitter. Criteria: Invitae Variant Classification Sherloc (09022015). Collection method: clinical testing. Allele origin: germline.
Comment: This variant has not been reported in the literature in individuals affected with ZNF687-related conditions. In summary, the available evidence is currently insufficient to determine the role of this variant in disease. Therefore, it has been classified as a Variant of Uncertain Significance. Algorithms developed to predict the effect of missense changes on protein structure and function are either unavailable or do not agree on the potential impact of this missense change (SIFT: "Deleterious"; PolyPhen-2: "Benign"; Align-GVGD: "Class C0"). This variant is present in population databases (no rsID available, gnomAD 0.003%). This sequence change replaces serine, which is neutral and polar, with leucine, which is neutral and non-polar, at codon 469 of the ZNF687 protein (p.Ser469Leu).